The following is an entry in ClinVar:

ClinVar aggregate classification (germline): Pathogenic/Likely pathogenic. Review status: criteria provided, multiple submitters, no conflicts (2 of 4 stars). 4 submissions from 4 submitters: Pathogenic (1); Likely pathogenic (1). 2 of the submissions do not count toward it. Last evaluated 2025-06-24.

Conditions:
GFAP-related disorder. Also called: GFAP-related disorders; GFAP-related condition.
Alexander disease (ALXDRD). Also called: Alexander's disease. Identifiers: Orphanet 58, MedGen C0270726, MONDO:0008752, OMIM 203450.

Submissions (4):

PreventionGenetics, part of Exact Sciences
Classification: Likely pathogenic for GFAP-related condition. Last evaluated: 2025-06-24. Review status: criteria provided, single submitter. Criteria: ACMG Guidelines, 2015. Collection method: clinical testing. Allele origin: germline.
Comment: The GFAP c.1157A>T variant is predicted to result in the amino acid substitution p.Asn386Ile. This variant was reported in an individual with Alexander disease (Caceres-Marzal et al. 2006. PubMed ID: 16996408). In vitro functional studies showed that the p.Asn386Ile variant prevents GFAP filament assembly and decreases GFAP solubility (Chen et al. 2011. PubMed ID: 21756903). Other alternate missense variants affecting the same amino acid position (p.Asn386Ser, p.Asn386Lys) have been reported in individuals with Alexander disease (Sugiyama et al. 2015. PubMed ID: 25982497; Yoshida et al. 2017. PubMed ID: 28448978; Heshmatzad et al. 2022. PubMed ID: 36088400). This variant has not been reported in a large population database (gnomAD), indicating this variant is rare. This variant is interpreted as likely pathogenic.

GeneDx
Classification: Pathogenic. Last evaluated: 2017-05-10. Review status: criteria provided, single submitter. Criteria: GeneDx Variant Classification (06012015). Collection method: clinical testing. Allele origin: germline. Affected: yes.
Comment: The N386I variant has been published previously as an apparently de novo occurrence in association with Alexander disease (Caceres-Marzal et al., 2006). The variant is not observed in large population cohorts (Lek et al., 2016; 1000 Genomes Consortium et al., 2015; Exome Variant Server). N386I is a non-conservative amino acid substitution, which is likely to impact secondary protein structure as these residues differ in polarity, charge, size and/or other properties. This substitution occurs at a position that is conserved across species, and in silico analysis predicts this variant is probably damaging to the protein structure/function. Functional studies have shown N386I disrupts the filament assembly and solubility of the GFAP protein (Chen et al., 2011). Missense variants in the same codon (N386S) nearby residues (T383I, S385F) have been reported in the Human Gene Mutation Database in association with Alexander disease (Stenson et al., 2014), supporting the functional importance of this region of the protein. In summary, we consider this variant to be pathogenic.

Epithelial Biology;  Institute of Medical Biology, Singapore
No classification provided. Review status: no classification provided. Collection method: not provided. Allele origin: not provided. Not counted in ClinVar's aggregate classification.

GeneReviews
No classification provided. Condition: Alexander disease. Review status: no classification provided. Collection method: literature only. Allele origin: germline. Affected: yes. Not counted in ClinVar's aggregate classification.

Literature cited by the submitters: PubMed 16996408 (cited by GeneReviews); NCBI Bookshelf NBK1172 (cited by GeneReviews).

NM_002055.5(GFAP):c.1157A>T (p.Asn386Ile)

Gene: GFAP (glial fibrillary acidic protein; minus strand). Cytogenetic location: 17q21.31.
Variant type: single nucleotide variant.
Coding change: c.1157A>T on transcript NM_002055.5 (MANE Select); coding-DNA position 1157, A replaced by T.
Protein change: p.Asn386Ile; replaces asparagine 386 with isoleucine.
Molecular consequence: missense variant.
Genome position (GRCh38, 1-based): chr17:44,910,629, T>A on the plus strand (A>T on the coding strand, the complement: GFAP is on the minus strand). VCF-style: chr17-44910629-T-A. GRCh37 (hg19) VCF-style: chr17-42987997-T-A.
Other names: c.1157A>T, p.Asn386Ile (NM_001131019.3, NM_001242376.3, NM_001363846.2); short protein forms N386I.
Identifiers: ClinVar variation 66448 (VCV000066448.5), dbSNP rs61726471, ClinGen allele CA217130.